The following is an entry in ClinVar:

NM_001079802.2(FKTN):c.296C>T (p.Ser99Leu)

Gene: FKTN (fukutin; plus strand). Cytogenetic location: 9q31.2.
Variant type: single nucleotide variant.
Coding change: c.296C>T on transcript NM_001079802.2 (MANE Select); coding-DNA position 296, C replaced by T.
Protein change: p.Ser99Leu; replaces serine 99 with leucine.
Molecular consequence: missense variant. On other transcripts: 5 prime UTR variant (4), non-coding transcript variant (2).
Genome position (GRCh38, 1-based): chr9:105,601,275, C>T. VCF-style: chr9-105601275-C-T. GRCh37 (hg19) VCF-style: chr9-108363556-C-T.
Other names: c.296C>T, p.Ser99Leu (NM_001198963.2, NM_001351496.2, NM_001351498.2 and 1 more transcripts); c.227C>T, p.Ser76Leu (NM_001351497.2); c.-219C>T (NM_001351499.2, NM_001351500.2, NM_001351501.2 and 1 more transcripts); short protein forms S99L, S76L.
Identifiers: ClinVar variation 284798 (VCV000284798.11), dbSNP rs768260007, ClinGen allele CA5170367.

ClinVar aggregate classification (germline): Uncertain significance. Review status: criteria provided, multiple submitters, no conflicts (2 of 4 stars). 4 submissions from 4 submitters: Uncertain significance (4). Last evaluated 2025-12-29.

Conditions:
Cardiovascular phenotype. Identifiers: MedGen CN230736.
Walker-Warburg congenital muscular dystrophy. Also called: Muscular dystrophy-dystroglycanopathy, type A; Walker-Warburg syndrome. Identifiers: Orphanet 899, MedGen C0265221, MONDO:0000171.

Allele frequency attached by ClinVar (database versions not stated): gnomAD 0.00001; gnomAD exomes below 0.00001; TOPMed 0.00001; ExAC 0.00001.
gnomAD v4.1: 3 of 1,612,614 alleles (0.00019%); highest among the groups gnomAD compares: African/African-American, 0.004%; no homozygotes.

Submissions (4):

Ambry Genetics
Classification: Uncertain significance for Cardiovascular phenotype. Last evaluated: 2025-12-29. Review status: criteria provided, single submitter. Criteria: Ambry Variant Classification Scheme 2023. Collection method: clinical testing. Allele origin: germline.
Comment: The p.S99L variant (also known as c.296C>T), located in coding exon 3 of the FKTN gene, results from a C to T substitution at nucleotide position 296. The serine at codon 99 is replaced by leucine, an amino acid with dissimilar properties. This amino acid position is well conserved in available vertebrate species. In addition, the in silico prediction for this alteration is inconclusive. Based on the available evidence, the clinical significance of this variant remains unclear.

Labcorp Genetics (formerly Invitae), Labcorp
Classification: Uncertain significance for Walker-Warburg congenital muscular dystrophy. Last evaluated: 2022-06-19. Review status: criteria provided, single submitter. Criteria: Invitae Variant Classification Sherloc (09022015). Collection method: clinical testing. Allele origin: germline.
Comment: This sequence change replaces serine, which is neutral and polar, with leucine, which is neutral and non-polar, at codon 99 of the FKTN protein (p.Ser99Leu). This variant is present in population databases (rs768260007, gnomAD 0.007%). This missense change has been observed in individual(s) with clinical features of FKTN-related conditions (PMID: 21520333). ClinVar contains an entry for this variant (Variation ID: 284798). Algorithms developed to predict the effect of missense changes on protein structure and function are either unavailable or do not agree on the potential impact of this missense change (SIFT: "Deleterious"; PolyPhen-2: "Benign"; Align-GVGD: "Class C15"). In summary, the available evidence is currently insufficient to determine the role of this variant in disease. Therefore, it has been classified as a Variant of Uncertain Significance.

GeneDx
Classification: Uncertain significance. Last evaluated: 2022-04-06. Review status: criteria provided, single submitter. Criteria: GeneDx Variant Classification Process June 2021. Collection method: clinical testing. Allele origin: germline. Affected: yes.
Comment: Not observed at significant frequency in large population cohorts (gnomAD); In silico analysis supports that this missense variant has a deleterious effect on protein structure/function; Has not been previously published as pathogenic or benign to our knowledge; This variant is associated with the following publications: (PMID: 21520333, 30564623)

Eurofins Ntd Llc (ga)
Classification: Uncertain significance. Last evaluated: 2015-11-12. Review status: criteria provided, single submitter. Criteria: EGL Classification Definitions 2015. Collection method: clinical testing. Allele origin: germline. Observed: 1 variant allele, 1 heterozygote.

Literature cited by the submitters: PubMed 21520333 (cited by Labcorp Genetics (formerly Invitae), Labcorp).